The following is an entry in ClinVar:

NC_000010.10:g.(?_90694970)_(91007415_?)dup

Genes: ACTA2 (actin alpha 2, smooth muscle; minus strand), FAS-AS1 (FAS antisense RNA 1; minus strand), CH25H (cholesterol 25-hydroxylase; minus strand), LIPA (lipase A, lysosomal acid type; minus strand), FAS (Fas cell surface death receptor; plus strand). Cytogenetic location: 10q23.31.
Variant type: Duplication.
Identifiers: ClinVar variation 1443167 (VCV001443167.4).

ClinVar aggregate classification (germline): Uncertain significance (1 of 4 stars; one submission).

Conditions:
Aortic aneurysm, familial thoracic 6 (AAT6). Also called: FAMILIAL THORACIC AORTIC ANEURYSM WITH LIVEDO RETICULARIS AND IRIS FLOCCULI. Identifiers: MedGen C2673186, MONDO:0012730, OMIM 611788.

Submission:

Labcorp Genetics (formerly Invitae), Labcorp
Classification: Uncertain significance for Aortic aneurysm, familial thoracic 6. Last evaluated: 2021-02-14. Review status: criteria provided, single submitter. Criteria: Invitae Variant Classification Sherloc (09022015). Collection method: clinical testing. Allele origin: germline.
Comment: This variant results in a copy number gain of the genomic region encompassing the full coding sequence of the ACTA2 gene. The boundaries of this event are unknown as they extend beyond the assayed region for this gene and therefore may encompass additional genes. As the precise location of this event is unknown, it may be in tandem or it may be located elsewhere in the genome. This variant has not been reported in the literature in individuals with ACTA2-related conditions. In summary, the available evidence is currently insufficient to determine the role of this variant in disease. Therefore, it has been classified as a Variant of Uncertain Significance.